The following is an entry in ClinVar:

NM_000064.4(C3):c.1685C>T (p.Ser562Leu)

Gene: C3 (complement C3; minus strand). Cytogenetic location: 19p13.3.
Variant type: single nucleotide variant.
Coding change: c.1685C>T on transcript NM_000064.4 (MANE Select); coding-DNA position 1685, C replaced by T.
Protein change: p.Ser562Leu; replaces serine 562 with leucine.
Molecular consequence: missense variant.
Genome position (GRCh38, 1-based): chr19:6,710,640, G>A on the plus strand (C>T on the coding strand, the complement: C3 is on the minus strand). VCF-style: chr19-6710640-G-A. GRCh37 (hg19) VCF-style: chr19-6710651-G-A.
Other names: p.Ser562Leu; short protein forms S562L.
Identifiers: ClinVar variation 893675 (VCV000893675.14), dbSNP rs200541526, ClinGen allele CA9129383.

ClinVar aggregate classification (germline): Conflicting classifications of pathogenicity. Review status: criteria provided, conflicting classifications (1 of 4 stars). 9 submissions from 7 submitters: Uncertain significance (7); Benign (1); Likely benign (1). Last evaluated 2025-09-30.

Conditions:
Inborn genetic diseases. Identifiers: MedGen C0950123, MeSH D030342.
Atypical hemolytic-uremic syndrome with C3 anomaly. Also called: AHUS, SUSCEPTIBILITY TO, 5. Identifiers: Orphanet 2134, MedGen C2752037, MONDO:0013043, OMIM 612925.
Complement component 3 deficiency. Identifiers: Orphanet 280133, MedGen C3151071, MONDO:0013417, OMIM 613779.
Age related macular degeneration 9. Identifiers: MedGen C1969651, MONDO:0012659, OMIM 611378.
Atypical hemolytic-uremic syndrome. Identifiers: Orphanet 2134, MedGen C2931788, MONDO:0016244.

Allele frequency attached by ClinVar (database versions not stated): gnomAD 0.00005 and 0.00002; TOPMed 0.00004; gnomAD exomes 0.00009 and 0.00010; 1000 Genomes Project 30x 0.00031; 1000 Genomes Project 0.00040; ExAC 0.00008.

Submissions (9):

Genomenon, Inc
Classification: Uncertain significance for Atypical hemolytic-uremic syndrome. Last evaluated: 2025-09-30. Review status: criteria provided, single submitter. Criteria: Genomenon Sequence Variant Interpretation Standards. Collection method: curation. Allele origin: germline. Affected: yes.
Comment: C3 p.Ser562Leu (c.1685C>T) is a missense variant that changes the amino acid at residue 562 from Serine to Leucine. This variant has been observed in at least one proband affected with atypical hemolytic-uremic syndrome (PMID:33213850;24845532;23314101;31730685;25951460). In silico models agree that this variant is not damaging. In conclusion, we classify C3 p.Ser562Leu (c.1685C>T) as a variant of unknown significance.

Labcorp Genetics (formerly Invitae), Labcorp
Classification: Uncertain significance. Last evaluated: 2025-09-09. Review status: criteria provided, single submitter. Criteria: Invitae Variant Classification Sherloc (09022015). Collection method: clinical testing. Allele origin: germline.
Comment: This sequence change replaces serine, which is neutral and polar, with leucine, which is neutral and non-polar, at codon 562 of the C3 protein (p.Ser562Leu). This variant is present in population databases (rs200541526, gnomAD 0.09%). This missense change has been observed in individual(s) with atypical hemolytic uremic syndrome (PMID: 23314101, 24845532, 33213850). ClinVar contains an entry for this variant (Variation ID: 893675). An algorithm developed to predict the effect of missense changes on protein structure and function (PolyPhen-2) suggests that this variant is likely to be tolerated. In summary, the available evidence is currently insufficient to determine the role of this variant in disease. Therefore, it has been classified as a Variant of Uncertain Significance.

Mayo Clinic Laboratories, Mayo Clinic
Classification: Uncertain significance. Last evaluated: 2025-03-18. Review status: criteria provided, single submitter. Criteria: ACMG Guidelines, 2015. Collection method: clinical testing. Allele origin: germline. Observed: 1 variant allele.
Comment: BP4

Ambry Genetics
Classification: Likely benign for Inborn genetic diseases. Last evaluated: 2024-08-02. Review status: criteria provided, single submitter. Criteria: Ambry Variant Classification Scheme 2023. Collection method: clinical testing. Allele origin: germline.

Fulgent Genetics
Classification: Uncertain significance for Age related macular degeneration 9; Atypical hemolytic-uremic syndrome with C3 anomaly; Complement component 3 deficiency. Last evaluated: 2024-04-04. Review status: criteria provided, single submitter. Criteria: ACMG Guidelines, 2015. Collection method: clinical testing. Allele origin: germline.

Blueprint Genetics
Classification: Uncertain significance. Last evaluated: 2024-03-06. Review status: criteria provided, single submitter. Criteria: ACMG Guidelines, 2015. Collection method: clinical testing. Allele origin: germline.

Illumina Laboratory Services, Illumina
Classification: Benign for Atypical hemolytic-uremic syndrome with C3 anomaly. Last evaluated: 2017-04-28. Review status: criteria provided, single submitter. Criteria: ICSL Variant Classification Criteria 13 December 2019. Collection method: clinical testing. Allele origin: germline.
Comment: This variant was observed as part of a predisposition screen in an ostensibly healthy population. A literature search was performed for the gene, cDNA change, and amino acid change (where applicable). Publications were found based on this search. The evidence from the literature, in combination with allele frequency data from public databases where available, was sufficient to rule this variant out of causing disease. Therefore, this variant is classified as benign.

Illumina Laboratory Services, Illumina
Classification: Uncertain significance for Age related macular degeneration 9. Last evaluated: 2017-04-28. Review status: criteria provided, single submitter. Criteria: ICSL Variant Classification Criteria 13 December 2019. Collection method: clinical testing. Allele origin: germline.

Illumina Laboratory Services, Illumina
Classification: Uncertain significance for Complement component 3 deficiency. Last evaluated: 2017-04-28. Review status: criteria provided, single submitter. Criteria: ICSL Variant Classification Criteria 13 December 2019. Collection method: clinical testing. Allele origin: germline.

Literature cited by the submitters: PubMed 33213850 (cited by 3 submitters); PubMed 24845532 (cited by 4 submitters); PubMed 23314101 (cited by 4 submitters); PubMed 31730685 (cited by Genomenon, Inc); PubMed 25951460 (cited by Genomenon, Inc and Illumina Laboratory Services, Illumina); PubMed 25608561 (cited by Mayo Clinic Laboratories, Mayo Clinic and Illumina Laboratory Services, Illumina); PubMed 38008090 (cited by Mayo Clinic Laboratories, Mayo Clinic).